The following is an entry in ClinVar:

ClinVar aggregate classification (germline): Uncertain significance (1 of 4 stars; one submission).

Conditions:
Immunodeficiency 39 (IMD39). Identifiers: Orphanet 574918, MedGen C4225358, MONDO:0014597, OMIM 616345.

Allele frequency attached by ClinVar (database versions not stated): gnomAD exomes below 0.00001 and 0.00001; ExAC 0.00001; TOPMed 0.00001.

Submission:

Labcorp Genetics (formerly Invitae), Labcorp
Classification: Uncertain significance for Immunodeficiency 39. Last evaluated: 2025-09-10. Review status: criteria provided, single submitter. Criteria: Invitae Variant Classification Sherloc (09022015). Collection method: clinical testing. Allele origin: germline.
Comment: This sequence change replaces leucine, which is neutral and non-polar, with arginine, which is basic and polar, at codon 408 of the IRF7 protein (p.Leu408Arg). This variant is present in population databases (rs771545271, gnomAD 0.007%). This variant has not been reported in the literature in individuals affected with IRF7-related conditions. ClinVar contains an entry for this variant (Variation ID: 1018217). Invitae Evidence Modeling of protein sequence and biophysical properties (such as structural, functional, and spatial information, amino acid conservation, physicochemical variation, residue mobility, and thermodynamic stability) indicates that this missense variant is expected to disrupt IRF7 protein function with a positive predictive value of 80%. In summary, the available evidence is currently insufficient to determine the role of this variant in disease. Therefore, it has been classified as a Variant of Uncertain Significance.

NM_001572.5(IRF7):c.1184T>G (p.Leu395Arg)

Gene: IRF7 (interferon regulatory factor 7; minus strand). Cytogenetic location: 11p15.5.
Variant type: single nucleotide variant.
Coding change: c.1184T>G on transcript NM_001572.5 (MANE Select); coding-DNA position 1184, T replaced by G.
Protein change: p.Leu395Arg; replaces leucine 395 with arginine.
Molecular consequence: missense variant.
Genome position (GRCh38, 1-based): chr11:613,259, A>C on the plus strand (T>G on the coding strand, the complement: IRF7 is on the minus strand). VCF-style: chr11-613259-A-C. GRCh37 (hg19) VCF-style: chr11-613259-A-C.
Other names: c.1097T>G, p.Leu366Arg (NM_004029.4); c.1223T>G, p.Leu408Arg (NM_004031.4); short protein forms L366R, L395R, L408R.
Identifiers: ClinVar variation 1018217 (VCV001018217.8), dbSNP rs771545271, ClinGen allele CA5783558.